The following is an entry in ClinVar:

NM_020822.3(KCNT1):c.28C>G (p.Pro10Ala)

Gene: KCNT1 (potassium sodium-activated channel subfamily T member 1; plus strand). Cytogenetic location: 9q34.3.
Variant type: single nucleotide variant.
Coding change: c.28C>G on transcript NM_020822.3 (MANE Select); coding-DNA position 28, C replaced by G.
Protein change: p.Pro10Ala; replaces proline 10 with alanine.
Molecular consequence: missense variant.
Genome position (GRCh38, 1-based): chr9:135,702,286, C>G. VCF-style: chr9-135702286-C-G. GRCh37 (hg19) VCF-style: chr9-138594132-C-G.
Other names: c.28C>G, p.Pro10Ala (NM_001272003.2); short protein forms P10A.
Identifiers: ClinVar variation 1941368 (VCV001941368.5), dbSNP rs1174574288, ClinGen allele CA375492534.

ClinVar aggregate classification (germline): Uncertain significance (1 of 4 stars; one submission).

Conditions:
Autosomal dominant nocturnal frontal lobe epilepsy 5. Also called: Epilepsy, nocturnal frontal lobe, 5; CILIARY DYSKINESIA, PRIMARY, 28, WITHOUT SITUS INVERSUS; CILIARY DYSKINESIA, PRIMARY, 28, WITH SITUS INVERSUS; KCNT1-Related Epilepsy. Identifiers: Orphanet 98784, MedGen C3554306, MONDO:0014002, OMIM 615005.
Developmental and epileptic encephalopathy, 14 (DEE14). Also called: Early infantile epileptic encephalopathy 14. Identifiers: Orphanet 293181, MedGen C3554195, MONDO:0013989, OMIM 614959.

Allele frequency attached by ClinVar (database versions not stated): TOPMed 0.00001.

Submission:

Labcorp Genetics (formerly Invitae), Labcorp
Classification: Uncertain significance for Autosomal dominant nocturnal frontal lobe epilepsy 5; Developmental and epileptic encephalopathy, 14. Last evaluated: 2021-12-25. Review status: criteria provided, single submitter. Criteria: Invitae Variant Classification Sherloc (09022015). Collection method: clinical testing. Allele origin: germline.
Comment: In summary, the available evidence is currently insufficient to determine the role of this variant in disease. Therefore, it has been classified as a Variant of Uncertain Significance. Advanced modeling of protein sequence and biophysical properties (such as structural, functional, and spatial information, amino acid conservation, physicochemical variation, residue mobility, and thermodynamic stability) performed at Invitae indicates that this missense variant is not expected to disrupt KCNT1 protein function. This variant has not been reported in the literature in individuals affected with KCNT1-related conditions. This variant is not present in population databases (gnomAD no frequency). This sequence change replaces proline, which is neutral and non-polar, with alanine, which is neutral and non-polar, at codon 10 of the KCNT1 protein (p.Pro10Ala).